The following is an entry in ClinVar:

NM_004187.5(KDM5C):c.3381A>G (p.Lys1127=)

Gene: KDM5C (lysine demethylase 5C; minus strand). Cytogenetic location: Xp11.22.
Variant type: single nucleotide variant.
Coding change: c.3381A>G on transcript NM_004187.5 (MANE Select); coding-DNA position 3381, A replaced by G.
Protein change: p.Lys1127=; no amino-acid change (lysine 1127 retained).
Molecular consequence: synonymous variant. On other transcripts: non-coding transcript variant (3).
Genome position (GRCh38, 1-based): chrX:53,194,988, T>C on the plus strand (A>G on the coding strand, the complement: KDM5C is on the minus strand). VCF-style: chrX-53194988-T-C. GRCh37 (hg19) VCF-style: chrX-53224170-T-C.
Other names: c.3180A>G, p.Lys1060= (NM_001146702.2); c.3378A>G, p.Lys1126= (NM_001282622.3, NM_001353979.2, NM_001353982.2); c.3381A>G, p.Lys1127= (NM_001353978.3, NM_001353981.2, NM_001353984.2).
Identifiers: ClinVar variation 94877 (VCV000094877.19), dbSNP rs370000816, ClinGen allele CA222566.

ClinVar aggregate classification (germline): Conflicting classifications of pathogenicity. Review status: criteria provided, conflicting classifications (1 of 4 stars). 5 submissions from 5 submitters: Uncertain significance (1); Benign (1); Likely benign (3). Last evaluated 2026-04-01.

Conditions:
Spastic paraplegia. Identifiers: MedGen C0037772, HP:0001258.
Inborn genetic diseases. Identifiers: MedGen C0950123, MeSH D030342.

Allele frequency attached by ClinVar (database versions not stated): gnomAD exomes 0.00001 and 0.00005; ExAC 0.00006; ESP Exome Variant Server 0.00009; gnomAD 0.00023 and 0.00026; TOPMed 0.00024.
gnomAD v4.1: 42 of 1,209,042 alleles (0.0035%); highest among the groups gnomAD compares: African/African-American, 0.056%; no homozygotes.

Submissions (5):

CeGaT Center for Human Genetics Tuebingen
Classification: Likely benign. Last evaluated: 2026-04-01. Review status: criteria provided, single submitter. Criteria: CeGaT Center For Human Genetics Tuebingen Variant Classification Criteria Version 2. Collection method: clinical testing. Allele origin: germline. Affected: yes. Observed: 1 variant allele.
Comment: KDM5C: BP4, BP7, BS2

Labcorp Genetics (formerly Invitae), Labcorp
Classification: Benign for Spastic paraplegia. Last evaluated: 2025-07-09. Review status: criteria provided, single submitter. Criteria: Invitae Variant Classification Sherloc (09022015). Collection method: clinical testing. Allele origin: germline.

GeneDx
Classification: Likely benign. Last evaluated: 2020-10-28. Review status: criteria provided, single submitter. Criteria: GeneDx Variant Classification Process June 2021. Collection method: clinical testing. Allele origin: germline. Affected: yes.

Ambry Genetics
Classification: Likely benign for Inborn genetic diseases. Last evaluated: 2017-01-16. Review status: criteria provided, single submitter. Criteria: Ambry Variant Classification Scheme 2023. Collection method: clinical testing. Allele origin: germline.

Eurofins Ntd Llc (ga)
Classification: Uncertain significance. Last evaluated: 2013-04-23. Review status: criteria provided, single submitter. Criteria: EGL Classification Definitions 2015. Collection method: clinical testing. Allele origin: germline. Observed: 1 variant allele, 1 heterozygote.